The following is an entry in ClinVar:

ClinVar aggregate classification (germline): Uncertain significance. Review status: criteria provided, multiple submitters, no conflicts (2 of 4 stars). 2 submissions from 2 submitters: Uncertain significance (2). Last evaluated 2026-08-24.

Conditions:
Cardiovascular phenotype. Identifiers: MedGen CN230736.
Myofibrillar myopathy 5. Also called: Filaminopathy (type); FILAMINOPATHY, AUTOSOMAL DOMINANT. Identifiers: Orphanet 171445, MedGen C1836050, MONDO:0012289, OMIM 609524.
Hypertrophic cardiomyopathy 26. Also called: Cardiomyopathy, familial hypertrophic, 26. Identifiers: Orphanet 75249, MedGen C4310749, MONDO:0014883, OMIM 617047.
Distal myopathy with posterior leg and anterior hand involvement. Also called: WILLIAMS DISTAL MYOPATHY. Identifiers: Orphanet 63273, MedGen C3279722, MONDO:0013550, OMIM 614065.

Submissions (2):

Ambry Genetics
Classification: Uncertain significance for Cardiovascular phenotype. Last evaluated: 2026-08-24. Review status: criteria provided, single submitter. Criteria: Ambry Variant Classification Scheme 2023. Collection method: clinical testing. Allele origin: germline.
Comment: The p.P2007L variant (also known as c.6020C>T), located in coding exon 37 of the FLNC gene, results from a C to T substitution at nucleotide position 6020. The proline at codon 2007 is replaced by leucine, an amino acid with similar properties. This amino acid position is conserved. In addition, this alteration is predicted to be deleterious by in silico analysis. Based on the available evidence, the clinical significance of this variant remains unclear.

Labcorp Genetics (formerly Invitae), Labcorp
Classification: Uncertain significance for Distal myopathy with posterior leg and anterior hand involvement; Myofibrillar myopathy 5; Hypertrophic cardiomyopathy 26. Last evaluated: 2021-05-07. Review status: criteria provided, single submitter. Criteria: Invitae Variant Classification Sherloc (09022015). Collection method: clinical testing. Allele origin: germline.
Comment: This sequence change replaces proline with leucine at codon 2007 of the FLNC protein (p.Pro2007Leu). The proline residue is highly conserved and there is a moderate physicochemical difference between proline and leucine. This variant is not present in population databases (ExAC no frequency). This variant has not been reported in the literature in individuals with FLNC-related conditions. Algorithms developed to predict the effect of missense changes on protein structure and function are either unavailable or do not agree on the potential impact of this missense change (SIFT: "Deleterious"; PolyPhen-2: "Probably Damaging"; Align-GVGD: "Class C0"). In summary, the available evidence is currently insufficient to determine the role of this variant in disease. Therefore, it has been classified as a Variant of Uncertain Significance.

NM_001458.5(FLNC):c.6020C>T (p.Pro2007Leu)

Genes: FLNC-AS1 (FLNC antisense RNA 1; minus strand), FLNC (filamin C; plus strand). Cytogenetic location: 7q32.1.
Variant type: single nucleotide variant.
Coding change: c.6020C>T on transcript NM_001458.5 (MANE Select); coding-DNA position 6020, C replaced by T.
Protein change: p.Pro2007Leu; replaces proline 2007 with leucine.
Molecular consequence: missense variant.
Genome position (GRCh38, 1-based): chr7:128,852,843, C>T. VCF-style: chr7-128852843-C-T. GRCh37 (hg19) VCF-style: chr7-128492897-C-T.
Other names: c.5921C>T, p.Pro1974Leu (NM_001127487.2); c.6020C>T (NM_001458.4); short protein forms P1974L, P2007L.
Identifiers: ClinVar variation 1518230 (VCV001518230.9), dbSNP rs2128938868, ClinGen allele CA369210932.